The following is an entry in ClinVar:

NC_000023.10:g.(?_149761067)_(149761149_?)del

Gene: MTM1 (myotubularin 1; plus strand). Cytogenetic location: Xq28.
Variant type: Deletion.
Identifiers: ClinVar variation 1457292 (VCV001457292.5).

ClinVar aggregate classification (germline): Pathogenic (1 of 4 stars; one submission).

Conditions:
Severe X-linked myotubular myopathy (CNMX). Also called: Myotubular myopathy, X-linked; MYOTUBULAR MYOPATHY 1; X-linked centronuclear myopathy. Identifiers: Orphanet 596, MedGen C0410203, MONDO:0010683, OMIM 310400.

Submission:

Labcorp Genetics (formerly Invitae), Labcorp
Classification: Pathogenic for Severe X-linked myotubular myopathy. Last evaluated: 2021-07-08. Review status: criteria provided, single submitter. Criteria: Invitae Variant Classification Sherloc (09022015). Collection method: clinical testing. Allele origin: germline.
Comment: A similar copy number variant has been observed in individual(s) with X-linked myotubular myopathy (PMID: 10063835). For these reasons, this variant has been classified as Pathogenic. This variant is a gross deletion of the genomic region encompassing exon(s) 2 of the MTM1 gene, which includes the initiator codon. The 5' end of this event is unknown as it extends beyond the assayed region for this gene and therefore may encompass additional genes. The 3' boundary is likely confined to intron 2 of the MTM1 gene. It is expected to result in an absent or disrupted protein product. Loss-of-function variants in MTM1 are known to be pathogenic (PMID: 9305655, 10063835).

Literature cited by the submitters: PubMed 10063835; PubMed 9305655.